The following is an entry in ClinVar:

NM_001377.3(DYNC2H1):c.11394T>A (p.Thr3798=)

Gene: DYNC2H1 (dynein cytoplasmic 2 heavy chain 1; plus strand). Cytogenetic location: 11q22.3.
Variant type: single nucleotide variant.
Coding change: c.11394T>A on transcript NM_001377.3 (MANE Select); coding-DNA position 11394, T replaced by A.
Protein change: p.Thr3798=; no amino-acid change (threonine 3798 retained).
Molecular consequence: synonymous variant.
Genome position (GRCh38, 1-based): chr11:103,307,732, T>A. VCF-style: chr11-103307732-T-A. GRCh37 (hg19) VCF-style: chr11-103178461-T-A.
Other names: c.11415T>A, p.Thr3805= (NM_001080463.2); c.11415T>A (NM_001080463.1).
Identifiers: ClinVar variation 2189145 (VCV002189145.5), dbSNP rs754769235, ClinGen allele CA227427525.

ClinVar aggregate classification (germline): Likely benign. Review status: criteria provided, multiple submitters, no conflicts (2 of 4 stars). 2 submissions from 2 submitters: Likely benign (2). Last evaluated 2024-10-16.

Conditions:
DYNC2H1-related disorder. Also called: DYNC2H1-related disorders; DYNC2H1-related condition. Identifiers: MedGen CN378770.
Jeune thoracic dystrophy. Also called: Short-rib thoracic dysplasia; Jeune syndrome; Infantile thoracic dystrophy; Thoracic pelvic phalangeal dystrophy; Jeune's syndrome; Chondroectodermal dysplasia-like syndrome. Identifiers: Orphanet 474, MedGen C0265275, MONDO:0018770.

Allele frequency attached by ClinVar (database versions not stated): TOPMed 0.00003.
gnomAD v4.1: 23 of 1,589,886 alleles (0.0014%); highest among the groups gnomAD compares: Admixed American, 0.0052%; no homozygotes.

Submissions (2):

PreventionGenetics, part of Exact Sciences
Classification: Likely benign for DYNC2H1-related condition. Last evaluated: 2024-10-16. Review status: criteria provided, single submitter. Criteria: ACMG Guidelines, 2015. Collection method: clinical testing. Allele origin: germline.
Comment: This variant is classified as likely benign based on ACMG/AMP sequence variant interpretation guidelines (Richards et al. 2015 PMID: 25741868, with internal and published modifications).

Labcorp Genetics (formerly Invitae), Labcorp
Classification: Likely benign for Jeune thoracic dystrophy. Last evaluated: 2023-12-23. Review status: criteria provided, single submitter. Criteria: Invitae Variant Classification Sherloc (09022015). Collection method: clinical testing. Allele origin: germline.